The following is an entry in ClinVar:

ClinVar aggregate classification (germline): Uncertain significance (1 of 4 stars; one submission).

Submission:

Labcorp Genetics (formerly Invitae), Labcorp
Classification: Uncertain significance. Last evaluated: 2025-03-22. Review status: criteria provided, single submitter. Criteria: Invitae Variant Classification Sherloc (09022015). Collection method: clinical testing. Allele origin: germline.
Comment: This sequence change replaces proline, which is neutral and non-polar, with alanine, which is neutral and non-polar, at codon 1006 of the DUOX2 protein (p.Pro1006Ala). This variant is not present in population databases (gnomAD no frequency). This variant has not been reported in the literature in individuals affected with DUOX2-related conditions. Invitae Evidence Modeling of protein sequence and biophysical properties (such as structural, functional, and spatial information, amino acid conservation, physicochemical variation, residue mobility, and thermodynamic stability) indicates that this missense variant is not expected to disrupt DUOX2 protein function with a negative predictive value of 80%. In summary, the available evidence is currently insufficient to determine the role of this variant in disease. Therefore, it has been classified as a Variant of Uncertain Significance.

NM_001363711.2(DUOX2):c.3016C>G (p.Pro1006Ala)

Gene: DUOX2 (dual oxidase 2; minus strand). Cytogenetic location: 15q21.1.
Variant type: single nucleotide variant.
Coding change: c.3016C>G on transcript NM_001363711.2 (MANE Select); coding-DNA position 3016, C replaced by G.
Protein change: p.Pro1006Ala; replaces proline 1006 with alanine.
Molecular consequence: missense variant.
Genome position (GRCh38, 1-based): chr15:45,100,218, G>C on the plus strand (C>G on the coding strand, the complement: DUOX2 is on the minus strand). VCF-style: chr15-45100218-G-C. GRCh37 (hg19) VCF-style: chr15-45392416-G-C.
Other names: c.3016C>G, p.Pro1006Ala (NM_014080.5); short protein forms P1006A.
Identifiers: ClinVar variation 4701424 (VCV004701424.1).
Genomic context (GRCh38, chr15:45,100,218, plus strand): 5'-GGGCTAGGAAGCCTCGCTGCATCTTCTCTTGCAGCGCCTCTGTGTACAGCCGGGGAGTGG[G>C]CACTGCTGCCCTATAGCAAGGGGAGGCAGGGCAGCAGTGTGGTAAGGGCCCTCTGGCCTT-3'
Protein context (NP_001350640.1, residues 996-1016): KKRFGKKAAV[Pro1006Ala]TPRLYTEALQ